The following is an entry in ClinVar:

NM_000256.3(MYBPC3):c.2327C>T (p.Ala776Val)

Gene: MYBPC3 (myosin binding protein C3; minus strand). Cytogenetic location: 11p11.2.
Variant type: single nucleotide variant.
Coding change: c.2327C>T on transcript NM_000256.3 (MANE Select); coding-DNA position 2327, C replaced by T.
Protein change: p.Ala776Val; replaces alanine 776 with valine.
Molecular consequence: missense variant.
Genome position (GRCh38, 1-based): chr11:47,337,776, G>A on the plus strand (C>T on the coding strand, the complement: MYBPC3 is on the minus strand). VCF-style: chr11-47337776-G-A. GRCh37 (hg19) VCF-style: chr11-47359327-G-A.
Other names: p.Ala776Val; short protein forms A776V.
Identifiers: ClinVar variation 927050 (VCV000927050.15), dbSNP rs1188736507, ClinGen allele CA049319.

ClinVar aggregate classification (germline): Uncertain significance. Review status: criteria provided, multiple submitters, no conflicts (2 of 4 stars). 5 submissions from 5 submitters: Uncertain significance (5). Last evaluated 2025-12-09.

Conditions:
Cardiomyopathy (CMYO). Also called: Cardiomyopathies. Identifiers: Orphanet 167848, MedGen C0878544, MONDO:0004994, HP:0001638. Inheritance: Various modes of inheritance.
Hypertrophic cardiomyopathy. Also called: HYPERTROPHIC MYOCARDIOPATHY. Identifiers: Orphanet 217569, MedGen C0007194, MeSH D002312, MONDO:0005045, HP:0001639.
Hypertrophic cardiomyopathy 4. Also called: Familial hypertrophic cardiomyopathy 4. Identifiers: MedGen C1861862, MONDO:0007268, OMIM 115197.
Left ventricular noncompaction 10 (LVNC10). Identifiers: Orphanet 154, Orphanet 54260, MedGen C3715165, MONDO:0014163, OMIM 615396.

Allele frequency attached by ClinVar (database versions not stated): gnomAD exomes below 0.00001; gnomAD 0.00001 and 0.00002; TOPMed 0.00001.

Submissions (5):

Labcorp Genetics (formerly Invitae), Labcorp
Classification: Uncertain significance for Hypertrophic cardiomyopathy. Last evaluated: 2025-12-09. Review status: criteria provided, single submitter. Criteria: Invitae Variant Classification Sherloc (09022015). Collection method: clinical testing. Allele origin: germline.
Comment: This sequence change replaces alanine, which is neutral and non-polar, with valine, which is neutral and non-polar, at codon 776 of the MYBPC3 protein (p.Ala776Val). This variant is not present in population databases (gnomAD no frequency). This variant has not been reported in the literature in individuals affected with MYBPC3-related conditions. ClinVar contains an entry for this variant (Variation ID: 927050). An algorithm developed to predict the effect of missense changes on protein structure and function (PolyPhen-2) suggests that this variant is likely to be tolerated. In summary, the available evidence is currently insufficient to determine the role of this variant in disease. Therefore, it has been classified as a Variant of Uncertain Significance.

All of Us Research Program, National Institutes of Health
Classification: Uncertain significance for Hypertrophic cardiomyopathy. Last evaluated: 2023-12-13. Review status: criteria provided, single submitter. Criteria: ACMG Guidelines, 2015. Collection method: clinical testing. Allele origin: germline. Inheritance: Autosomal dominant inheritance. Observed: 2 variant alleles, 2 heterozygotes.
Comment: This missense variant replaces alanine with valine at codon 776 of the MYBPC3 protein. Computational prediction tools and conservation analyses suggest that this variant may not impact the protein function. Computational splicing tools suggest that this variant may not impact RNA splicing. To our knowledge, functional assays have not been performed for this variant nor has this variant been reported in individuals affected with cardiovascular disorders in the literature. This variant has not been identified in the general population by the Genome Aggregation Database (gnomAD). Available evidence is insufficient to determine the role of this variant in disease conclusively. Therefore, this variant is classified as a Variant of Uncertain Significance.

This study involves interpretation of variants in research participants for the purpose of population health screening. Participant phenotype was not available at the time of variant classification. Additional details can be found in publication PMID: 35346344, PMCID: PMC8962531

Color Diagnostics, LLC DBA Color Health
Classification: Uncertain significance for Cardiomyopathy. Last evaluated: 2023-10-26. Review status: criteria provided, single submitter. Criteria: ACMG Guidelines, 2015. Collection method: clinical testing. Allele origin: germline.
Comment: This missense variant replaces alanine with valine at codon 776 of the MYBPC3 protein. Computational prediction suggests that this variant may not impact protein structure and function (internally defined REVEL score threshold <= 0.5, PMID: 27666373). To our knowledge, functional studies have not been reported for this variant. This variant has not been reported in individuals affected with MYBPC3-related disorders in the literature. This variant has not been identified in the general population by the Genome Aggregation Database (gnomAD). The available evidence is insufficient to determine the role of this variant in disease conclusively. Therefore, this variant is classified as a Variant of Uncertain Significance.

Fulgent Genetics
Classification: Uncertain significance for Hypertrophic cardiomyopathy 4; Left ventricular noncompaction 10. Last evaluated: 2021-10-08. Review status: criteria provided, single submitter. Criteria: ACMG Guidelines, 2015. Collection method: clinical testing. Allele origin: unknown.

Mayo Clinic Laboratories, Mayo Clinic
Classification: Uncertain significance. Last evaluated: 2021-06-22. Review status: criteria provided, single submitter. Criteria: ACMG Guidelines, 2015. Collection method: clinical testing. Allele origin: germline.